The following is an entry in ClinVar:

NM_004304.5(ALK):c.263G>A (p.Arg88His)

Gene: ALK (ALK receptor tyrosine kinase; minus strand). Cytogenetic location: 2p23.1.
Variant type: single nucleotide variant.
Coding change: c.263G>A on transcript NM_004304.5 (MANE Select); coding-DNA position 263, G replaced by A.
Protein change: p.Arg88His; replaces arginine 88 with histidine.
Molecular consequence: missense variant.
Genome position (GRCh38, 1-based): chr2:29,920,397, C>T on the plus strand (G>A on the coding strand, the complement: ALK is on the minus strand). VCF-style: chr2-29920397-C-T. GRCh37 (hg19) VCF-style: chr2-30143263-C-T.
Other names: short protein forms R88H.
Identifiers: ClinVar variation 3223842 (VCV003223842.1), dbSNP rs2465866961, ClinGen allele CA346590376.

ClinVar aggregate classification (germline): Uncertain significance (1 of 4 stars; one submission).

Conditions:
Hereditary cancer-predisposing syndrome. Also called: Tumor predisposition; Hereditary neoplastic syndrome; Hereditary Cancer Syndrome; Neoplastic Syndromes, Hereditary. Identifiers: Orphanet 140162, MedGen C0027672, MeSH D009386, MONDO:0015356.

Submission:

Ambry Genetics
Classification: Uncertain significance for Hereditary cancer-predisposing syndrome. Last evaluated: 2023-10-22. Review status: criteria provided, single submitter. Criteria: Ambry Variant Classification Scheme 2023. Collection method: clinical testing. Allele origin: germline.
Comment: The p.R88H variant (also known as c.263G>A), located in coding exon 1 of the ALK gene, results from a G to A substitution at nucleotide position 263. The arginine at codon 88 is replaced by histidine, an amino acid with highly similar properties. This amino acid position is conserved. In addition, this alteration is predicted to be tolerated by in silico analysis. Since supporting evidence is limited at this time, the clinical significance of this alteration remains unclear.